The following is an entry in ClinVar:

NM_001267550.2(TTN):c.65812_65863+6del

Genes: TTN-AS1 (TTN antisense RNA 1; plus strand), TTN (titin; minus strand). Cytogenetic location: 2q31.2.
Variant type: Deletion.
Coding change: c.65812_65863+6del on transcript NM_001267550.2 (MANE Select); coding-DNA position 65812 through 6 bases into the intron after coding-DNA position 65863, 58 bases deleted.
Molecular consequence: splice donor variant.
Genome position (GRCh38, 1-based): chr2:178,582,934-178,582,991, 58 bases deleted. GRCh37 (hg19): chr2:179,447,664-179,447,721.
Other names: c.38617_38668+6del (NM_003319.4); c.39193_39244+6del (NM_133437.4); c.38992_39043+6del (NM_133432.3); c.58108_58159+6del (NM_133378.4); c.60889_60940+6del (NM_001256850.1).
Identifiers: ClinVar variation 1019230 (VCV001019230.7), dbSNP rs2048116266, ClinGen allele CA1310536378.

ClinVar aggregate classification (germline): Uncertain significance (1 of 4 stars; one submission).

Conditions:
Dilated cardiomyopathy 1G (CMD1G). Identifiers: Orphanet 154, MedGen C1858763, MONDO:0011400, OMIM 604145.
Autosomal recessive limb-girdle muscular dystrophy type 2J (LGMDR10). Also called: Limb-girdle muscular dystrophy, type 2J; MUSCULAR DYSTROPHY, LIMB-GIRDLE, AUTOSOMAL RECESSIVE 10. Identifiers: Orphanet 140922, MedGen C1837342, MONDO:0012127, OMIM 608807.

Submission:

Labcorp Genetics (formerly Invitae), Labcorp
Classification: Uncertain significance for Dilated cardiomyopathy 1G; Autosomal recessive limb-girdle muscular dystrophy type 2J. Last evaluated: 2018-01-16. Review status: criteria provided, single submitter. Criteria: Invitae Variant Classification Sherloc (09022015). Collection method: clinical testing. Allele origin: germline.
Comment: Nucleotide substitutions within the consensus splice site are a relatively common cause of aberrant splicing (PMID: 17576681, 9536098). Algorithms developed to predict the effect of sequence changes on RNA splicing suggest that this variant may disrupt the consensus splice site, but this prediction has not been confirmed by published transcriptional studies. This variant is found in the A-band of this gene. While this particular variant has not been reported in the literature, truncating variants in the A-band of TTN are significantly overrepresented in patients with dilated cardiomyopathy and are considered to be likely pathogenic for the disease (PMID: 25589632). Truncating variants in TTN have also been reported in individuals affected with autosomal recessive centronuclear myopathy (PMID: 23975875). This variant is not present in population databases (ExAC no frequency). This sequence change falls in intron 313 of the TTN gene. It does not directly change the encoded amino acid sequence of the TTN protein, but it affects a nucleotide within the consensus splice site of the intron. In summary, the available evidence is currently insufficient to determine the role of this variant in disease. Therefore, it has been classified as a Variant of Uncertain Significance.

Literature cited by the submitters: PubMed 17576681; PubMed 9536098; PubMed 25589632; PubMed 23975875.